The following is an entry in ClinVar:

ClinVar aggregate classification (germline): Likely benign. Review status: criteria provided, single submitter (1 of 4 stars). 2 submissions from 2 submitters: Likely benign (1). 1 of the submissions does not count toward it. Last evaluated 2022-07-01.

Conditions:
VPS13B-related disorder. Also called: VPS13B-related condition.
Cohen syndrome (COH1). Also called: PEPPER SYNDROME; Cutis verticis gyrata, retinitis pigmentosa, and sensorineural deafness. Identifiers: Orphanet 193, MedGen C0265223, MONDO:0008999, OMIM 216550.

gnomAD v4.1: 1 of 1,613,478 alleles (0.000062%); no homozygotes.

Submissions (2):

Labcorp Genetics (formerly Invitae), Labcorp
Classification: Likely benign for Cohen syndrome. Last evaluated: 2022-07-01. Review status: criteria provided, single submitter. Criteria: Invitae Variant Classification Sherloc (09022015). Collection method: clinical testing. Allele origin: germline.

PreventionGenetics, part of Exact Sciences
Classification: Likely benign for VPS13B-related condition. Last evaluated: 2022-03-17. Review status: no assertion criteria provided. Collection method: clinical testing. Allele origin: germline. Not counted in ClinVar's aggregate classification.
Comment: This variant is classified as likely benign based on ACMG/AMP sequence variant interpretation guidelines (Richards et al. 2015 PMID: 25741868, with internal and published modifications).

NM_152564.5(VPS13B):c.1303-4A>T

Gene: VPS13B (vacuolar protein sorting 13 homolog B; plus strand). Cytogenetic location: 8q22.2.
Variant type: single nucleotide variant.
Coding change: c.1303-4A>T on transcript NM_152564.5 (MANE Select); 4 bases into the intron before coding-DNA position 1303, A replaced by T.
Molecular consequence: intron variant.
Genome position (GRCh38, 1-based): chr8:99,135,011, A>T. VCF-style: chr8-99135011-A-T. GRCh37 (hg19) VCF-style: chr8-100147239-A-T.
Other names: c.1303-4A>T (NM_017890.5, NM_015243.3, NM_152564.4).
Identifiers: ClinVar variation 1908310 (VCV001908310.6), dbSNP rs772842729, ClinGen allele CA2580079112.
Genomic context (GRCh38, chr8:99,135,011, plus strand): 5'-GGAAAGCCTCTAACATTTTTATTAAATTCAATTCTTAGTTCTAATGTTTCCTTTCGTCTT[A>T]TAGGCCCTTATGATGGGAGAACCTTTCTTTGATTGCCAGATTGGGTTTGTTGGTTGCAGA-3'